The following is an entry in ClinVar:

ClinVar aggregate classification (germline): Uncertain significance. Review status: criteria provided, multiple submitters, no conflicts (2 of 4 stars). 2 submissions from 2 submitters: Uncertain significance (2). Last evaluated 2025-10-08.

Conditions:
Hereditary cancer-predisposing syndrome. Also called: Tumor predisposition; Hereditary Cancer Syndrome; Hereditary neoplastic syndrome; Neoplastic Syndromes, Hereditary. Identifiers: Orphanet 140162, MedGen C0027672, MeSH D009386, MONDO:0015356.
Rhabdoid tumor predisposition syndrome 2 (RTPS2). Identifiers: Orphanet 231108, Orphanet 69077, MedGen C2750074, MONDO:0013224, OMIM 613325.

Allele frequency attached by ClinVar (database versions not stated): gnomAD exomes below 0.00001.
gnomAD v4.1: 1 of 1,613,834 alleles (0.000062%); highest among the groups gnomAD compares: Non-Finnish European, 0.000085%; no homozygotes.

Submissions (2):

Ambry Genetics
Classification: Uncertain significance for Hereditary cancer-predisposing syndrome. Last evaluated: 2025-10-08. Review status: criteria provided, single submitter. Criteria: Ambry Variant Classification Scheme 2023. Collection method: clinical testing. Allele origin: germline.
Comment: The p.E1057Q variant (also known as c.3169G>C) is located in coding exon 22 of the SMARCA4 gene. The glutamic acid at codon 1057 is replaced by glutamine, an amino acid with highly similar properties. This change occurs in the first base pair of coding exon 22. This amino acid position is conserved. In addition, the in silico prediction for this alteration is inconclusive. Based on the available evidence, the clinical significance of this variant remains unclear.

Labcorp Genetics (formerly Invitae), Labcorp
Classification: Uncertain significance for Rhabdoid tumor predisposition syndrome 2. Last evaluated: 2017-09-12. Review status: criteria provided, single submitter. Criteria: Invitae Variant Classification Sherloc (09022015). Collection method: clinical testing. Allele origin: germline.
Comment: This sequence change replaces glutamic acid with glutamine at codon 1057 of the SMARCA4 protein (p.Glu1057Gln). The glutamic acid residue is highly conserved and there is a small physicochemical difference between glutamic acid and glutamine. This variant is not present in population databases (ExAC no frequency). This variant has not been reported in the literature in individuals with SMARCA4-related disease. Algorithms developed to predict the effect of missense changes on protein structure and function do not agree on the potential impact of this missense change (SIFT: "Deleterious"; PolyPhen-2: "Benign"; Align-GVGD: "Class C0"). In summary, the available evidence is currently insufficient to determine the role of this variant in disease. Therefore, it has been classified as a Variant of Uncertain Significance.

NM_003072.5(SMARCA4):c.3169G>C (p.Glu1057Gln)

Gene: SMARCA4 (SWI/SNF related BAF chromatin remodeling complex subunit ATPase 4; plus strand). Cytogenetic location: 19p13.2.
Variant type: single nucleotide variant.
Coding change: c.3169G>C on transcript NM_003072.5 (MANE Select); coding-DNA position 3169, G replaced by C.
Protein change: p.Glu1057Gln; replaces glutamic acid 1057 with glutamine.
Molecular consequence: missense variant. On other transcripts: non-coding transcript variant (1).
Genome position (GRCh38, 1-based): chr19:11,026,300, G>C. VCF-style: chr19-11026300-G-C. GRCh37 (hg19) VCF-style: chr19-11136976-G-C.
Other names: c.3169G>C, p.Glu1057Gln (NM_001128844.3, NM_001128845.2, NM_001128846.2 and 5 more transcripts); short protein forms E1057Q.
Identifiers: ClinVar variation 537840 (VCV000537840.9), dbSNP rs1555781050, ClinGen allele CA404060020.